The following is an entry in ClinVar:

ClinVar aggregate classification (germline): Uncertain significance. Review status: criteria provided, multiple submitters, no conflicts (2 of 4 stars). 2 submissions from 2 submitters: Uncertain significance (2). Last evaluated 2023-02-09.

Conditions:
Mitochondrial complex I deficiency, nuclear type 6. Also called: Mitochondrial complex 1 deficiency, nuclear type 6. Identifiers: MedGen C4748759, MONDO:0032611, OMIM 618228.
Leber-like hereditary optic neuropathy, autosomal recessive 2. Also called: Leber hereditary optic neuropathy, autosomal recessive 2. Identifiers: MedGen C5882713, MONDO:0958197, OMIM 620569.

Allele frequency attached by ClinVar (database versions not stated): ExAC 0.00002; gnomAD exomes 0.00002; gnomAD 0.00009; 1000 Genomes Project 30x 0.00016; 1000 Genomes Project 0.00020; TOPMed 0.00021.
gnomAD v4.1: 30 of 1,613,310 alleles (0.0019%); highest among the groups gnomAD compares: Admixed American, 0.04%; no homozygotes.

Submissions (2):

Department of Pathology and Laboratory Medicine, Sinai Health System
Classification: Uncertain significance for Mitochondrial complex I deficiency, nuclear type 6; Leber-like hereditary optic neuropathy, autosomal recessive 2. Last evaluated: 2023-02-09. Review status: criteria provided, single submitter. Criteria: ACMG Guidelines, 2015. Collection method: research. Allele origin: germline.

Women's Health and Genetics/Laboratory Corporation of America, LabCorp
Classification: Uncertain significance. Last evaluated: 2019-08-07. Review status: criteria provided, single submitter. Criteria: LabCorp Variant Classification Summary - May 2015. Collection method: clinical testing. Allele origin: germline.
Comment: Variant summary: NDUFS2 c.1105G>A (p.Ala369Thr) results in a non-conservative amino acid change located in the NADH-quinone oxidoreductase, subunit D domain (IPR001135) of the encoded protein sequence. Three of five in-silico tools predict a benign effect of the variant on protein function. The variant allele was found at a frequency of 1.6e-05 in 250706 control chromosomes (gnomAD). The available data on variant occurrences in the general population are insufficient to allow any conclusion about variant significance. To our knowledge, no occurrence of c.1105G>A in individuals affected with Mitochondrial complex I deficiency and no experimental evidence demonstrating its impact on protein function have been reported. No clinical diagnostic laboratories have submitted clinical-significance assessments for this variant to ClinVar after 2014. Based on the evidence outlined above, the variant was classified as uncertain significance.

Literature cited by the submitters: PubMed 25412673 (cited by Women's Health and Genetics/Laboratory Corporation of America, LabCorp).

NM_001377299.1(NDUFS2):c.1105G>A (p.Ala369Thr)

Gene: NDUFS2 (NADH:ubiquinone oxidoreductase core subunit S2; plus strand). Cytogenetic location: 1q23.3.
Variant type: single nucleotide variant.
Coding change: c.1105G>A on transcript NM_001377299.1 (MANE Select); coding-DNA position 1105, G replaced by A.
Protein change: p.Ala369Thr; replaces alanine 369 with threonine.
Molecular consequence: missense variant.
Genome position (GRCh38, 1-based): chr1:161,212,469, G>A. VCF-style: chr1-161212469-G-A. GRCh37 (hg19) VCF-style: chr1-161182259-G-A.
Other names: c.1105G>A, p.Ala369Thr (NM_001166159.2, NM_001377298.1, NM_001377300.1 and 3 more transcripts); short protein forms A369T.
Identifiers: ClinVar variation 928840 (VCV000928840.2), dbSNP rs200509897, ClinGen allele CA1208773.
Genomic context (GRCh38, chr1:161,212,469, plus strand): 5'-AACAAGATGCCTCCTGGGGAGATCAAGGTTGATGATGCCAAAGTGTCTCCACCTAAGCGA[G>A]CAGAGATGAAGGTTGGCTGCAGGGAGGGGGAAAGTGTGGGGTGTTGGAAAGGGGCCAGTG-3'
Protein context (NP_001364228.1, residues 359-379): DDAKVSPPKR[Ala369Thr]EMKTSMESLI